The following is an entry in ClinVar:

NM_016356.5(DCDC2):c.42C>T (p.Pro14=)

Genes: DCDC2 (doublecortin domain containing 2; minus strand), KAAG1 (kidney associated DCDC2 antisense RNA 1; plus strand). Cytogenetic location: 6p22.3.
Variant type: single nucleotide variant.
Coding change: c.42C>T on transcript NM_016356.5 (MANE Select); coding-DNA position 42, C replaced by T.
Protein change: p.Pro14=; no amino-acid change (proline 14 retained).
Molecular consequence: synonymous variant. On other transcripts: non-coding transcript variant (1).
Genome position (GRCh38, 1-based): chr6:24,357,709, G>A on the plus strand (C>T on the coding strand, the complement: DCDC2 is on the minus strand). VCF-style: chr6-24357709-G-A. GRCh37 (hg19) VCF-style: chr6-24357937-G-A.
Other names: c.42C>T, p.Pro14= (NM_001195610.2).
Identifiers: ClinVar variation 3054651 (VCV003054651.2), dbSNP rs1270753724, ClinGen allele CA363279452.
Genomic context (GRCh38, chr6:24,357,709, plus strand): 5'-GACGCGGCGCCCCGCGTAGAAGGGGTCCCCGTTGCGGTACACAAGCACGCTCTTCACGAC[G>A]GGCTGAGACAGGTGGCTGGACCTGGCGCTGCTGCCGCTCATCTTCCCCGCTGGCCGCCGC-3'
Protein context (NP_057440.2, residues 4-24): SSARSSHLSQ[Pro14=]VVKSVLVYRN

ClinVar aggregate classification (germline): Likely benign (0 of 4 stars; one submission).

Conditions:
DCDC2-related disorder. Also called: DCDC2-related condition.

Allele frequency attached by ClinVar (database versions not stated): gnomAD 0.00001; gnomAD exomes 0.00001; TOPMed 0.00001.
gnomAD v4.1: 10 of 1,612,694 alleles (0.00062%); highest among the groups gnomAD compares: Admixed American, 0.005%; no homozygotes.

Submission:

PreventionGenetics, part of Exact Sciences
Classification: Likely benign for DCDC2-related condition. Last evaluated: 2021-04-30. Review status: no assertion criteria provided. Collection method: clinical testing. Allele origin: germline.
Comment: This variant is classified as likely benign based on ACMG/AMP sequence variant interpretation guidelines (Richards et al. 2015 PMID: 25741868, with internal and published modifications).